The following is an entry in ClinVar:

ClinVar aggregate classification (germline): Uncertain significance. Review status: criteria provided, multiple submitters, no conflicts (2 of 4 stars). 4 submissions from 4 submitters: Uncertain significance (4). Last evaluated 2023-10-20.

Conditions:
Imerslund-Grasbeck syndrome. Also called: Imerslund-Gräsbeck syndrome; Megaloblastic anemia due to inborn errors of metabolism; ENTEROCYTE COBALAMIN MALABSORPTION; ENTEROCYTE INTRINSIC FACTOR RECEPTOR, DEFECT OF; PERNICIOUS ANEMIA, JUVENILE, DUE TO SELECTIVE INTESTINAL MALABSORPTION OF VITAMIN B12, WITH PROTEINURIA. Identifiers: Orphanet 35858, MedGen C4551825, MONDO:0009853.
Imerslund-Grasbeck syndrome type 1 (IGS1). Also called: Megaloblastic anemia 1, Finnish type; MEGALOBLASTIC ANEMIA, 1; Imerslund-Gräsbeck syndrome 1. Identifiers: MedGen C4016819, MONDO:0100156, OMIM 261100.
Proteinuria, chronic benign. Identifiers: MedGen C5394384, MONDO:0030042, OMIM 618884.
Inborn genetic diseases. Identifiers: MedGen C0950123, MeSH D030342.

Allele frequency attached by ClinVar (database versions not stated): gnomAD 0.00004 and 0.00003; gnomAD exomes 0.00006 and 0.00010; ExAC 0.00010; TOPMed 0.00006; ESP Exome Variant Server 0.00015.
gnomAD v4.1: 153 of 1,614,062 alleles (0.0095%); highest among the groups gnomAD compares: Non-Finnish European, 0.012%; no homozygotes.

Submissions (4):

Ambry Genetics
Classification: Uncertain significance for Inborn genetic diseases. Last evaluated: 2023-10-20. Review status: criteria provided, single submitter. Criteria: Ambry Variant Classification Scheme 2023. Collection method: clinical testing. Allele origin: germline.

Labcorp Genetics (formerly Invitae), Labcorp
Classification: Uncertain significance for Imerslund-Grasbeck syndrome. Last evaluated: 2022-03-26. Review status: criteria provided, single submitter. Criteria: Invitae Variant Classification Sherloc (09022015). Collection method: clinical testing. Allele origin: germline.
Comment: In summary, the available evidence is currently insufficient to determine the role of this variant in disease. Therefore, it has been classified as a Variant of Uncertain Significance. Algorithms developed to predict the effect of missense changes on protein structure and function output the following: SIFT: "Tolerated"; PolyPhen-2: "Benign"; Align-GVGD: "Class C0". The lysine amino acid residue is found in multiple mammalian species, which suggests that this missense change does not adversely affect protein function. ClinVar contains an entry for this variant (Variation ID: 877384). This variant has not been reported in the literature in individuals affected with CUBN-related conditions. This variant is present in population databases (rs142519035, gnomAD 0.01%). This sequence change replaces glutamic acid, which is acidic and polar, with lysine, which is basic and polar, at codon 2873 of the CUBN protein (p.Glu2873Lys).

Fulgent Genetics
Classification: Uncertain significance for Imerslund-Grasbeck syndrome type 1; Proteinuria, chronic benign. Last evaluated: 2022-02-10. Review status: criteria provided, single submitter. Criteria: ACMG Guidelines, 2015. Collection method: clinical testing. Allele origin: unknown.

Illumina Laboratory Services, Illumina
Classification: Uncertain significance for Imerslund-Grasbeck syndrome type 1. Last evaluated: 2018-01-12. Review status: criteria provided, single submitter. Criteria: ICSL Variant Classification Criteria 13 December 2019. Collection method: clinical testing. Allele origin: germline.

NM_001081.4(CUBN):c.8617G>A (p.Glu2873Lys)

Gene: CUBN (cubilin; minus strand). Cytogenetic location: 10p13.
Variant type: single nucleotide variant.
Coding change: c.8617G>A on transcript NM_001081.4 (MANE Select); coding-DNA position 8617, G replaced by A.
Protein change: p.Glu2873Lys; replaces glutamic acid 2873 with lysine.
Molecular consequence: missense variant.
Genome position (GRCh38, 1-based): chr10:16,890,509, C>T on the plus strand (G>A on the coding strand, the complement: CUBN is on the minus strand). VCF-style: chr10-16890509-C-T. GRCh37 (hg19) VCF-style: chr10-16932508-C-T.
Other names: short protein forms E2873K.
Identifiers: ClinVar variation 877384 (VCV000877384.9), dbSNP rs142519035, ClinGen allele CA5422970.